The following is an entry in ClinVar:

NM_020461.4(TUBGCP6):c.4736A>T (p.Asn1579Ile)

Gene: TUBGCP6 (tubulin gamma complex component 6; minus strand). Cytogenetic location: 22q13.33.
Variant type: single nucleotide variant.
Coding change: c.4736A>T on transcript NM_020461.4 (MANE Select); coding-DNA position 4736, A replaced by T.
Protein change: p.Asn1579Ile; replaces asparagine 1579 with isoleucine.
Molecular consequence: missense variant.
Genome position (GRCh38, 1-based): chr22:50,218,788, T>A on the plus strand (A>T on the coding strand, the complement: TUBGCP6 is on the minus strand). VCF-style: chr22-50218788-T-A. GRCh37 (hg19) VCF-style: chr22-50657217-T-A.
Other names: short protein forms N1579I.
Identifiers: ClinVar variation 949126 (VCV000949126.10), dbSNP rs769431336, ClinGen allele CA412168559.

ClinVar aggregate classification (germline): Uncertain significance. Review status: criteria provided, multiple submitters, no conflicts (2 of 4 stars). 2 submissions from 2 submitters: Uncertain significance (2). Last evaluated 2025-05-16.

Conditions:
Inborn genetic diseases. Identifiers: MedGen C0950123, MeSH D030342.

Submissions (2):

Ambry Genetics
Classification: Uncertain significance for Inborn genetic diseases. Last evaluated: 2025-05-16. Review status: criteria provided, single submitter. Criteria: Ambry Variant Classification Scheme 2023. Collection method: clinical testing. Allele origin: germline.

Labcorp Genetics (formerly Invitae), Labcorp
Classification: Uncertain significance. Last evaluated: 2022-03-26. Review status: criteria provided, single submitter. Criteria: Invitae Variant Classification Sherloc (09022015). Collection method: clinical testing. Allele origin: germline.
Comment: Algorithms developed to predict the effect of missense changes on protein structure and function are either unavailable or do not agree on the potential impact of this missense change (SIFT: "Deleterious"; PolyPhen-2: "Probably Damaging"; Align-GVGD: "Class C0"). In summary, the available evidence is currently insufficient to determine the role of this variant in disease. Therefore, it has been classified as a Variant of Uncertain Significance. ClinVar contains an entry for this variant (Variation ID: 949126). This variant has not been reported in the literature in individuals affected with TUBGCP6-related conditions. This variant is not present in population databases (gnomAD no frequency). This sequence change replaces asparagine, which is neutral and polar, with isoleucine, which is neutral and non-polar, at codon 1579 of the TUBGCP6 protein (p.Asn1579Ile).